The following is an entry in ClinVar:

ClinVar aggregate classification (germline): Uncertain significance (1 of 4 stars; one submission).

Allele frequency attached by ClinVar (database versions not stated): gnomAD exomes below 0.00001; TOPMed below 0.00001; ExAC 0.00001.
gnomAD v4.1: 4 of 1,604,546 alleles (0.00025%); highest among the groups gnomAD compares: East Asian, 0.0089%; no homozygotes.

Submission:

Labcorp Genetics (formerly Invitae), Labcorp
Classification: Uncertain significance. Last evaluated: 2022-02-04. Review status: criteria provided, single submitter. Criteria: Invitae Variant Classification Sherloc (09022015). Collection method: clinical testing. Allele origin: germline.
Comment: The frequency data for this variant in the population databases is considered unreliable, as metrics indicate poor data quality at this position in the gnomAD database. This variant has not been reported in the literature in individuals affected with ADGRV1-related conditions. This sequence change replaces leucine, which is neutral and non-polar, with proline, which is neutral and non-polar, at codon 1205 of the ADGRV1 protein (p.Leu1205Pro). In summary, the available evidence is currently insufficient to determine the role of this variant in disease. Therefore, it has been classified as a Variant of Uncertain Significance. Algorithms developed to predict the effect of missense changes on protein structure and function are either unavailable or do not agree on the potential impact of this missense change (SIFT: "Deleterious"; PolyPhen-2: "Possibly Damaging"; Align-GVGD: "Class C0").

NM_032119.4(ADGRV1):c.3614T>C (p.Leu1205Pro)

Gene: ADGRV1 (adhesion G protein-coupled receptor V1; plus strand). Cytogenetic location: 5q14.3.
Variant type: single nucleotide variant.
Coding change: c.3614T>C on transcript NM_032119.4 (MANE Select); coding-DNA position 3614, T replaced by C.
Protein change: p.Leu1205Pro; replaces leucine 1205 with proline.
Molecular consequence: missense variant. On other transcripts: non-coding transcript variant (1).
Genome position (GRCh38, 1-based): chr5:90,652,543, T>C. VCF-style: chr5-90652543-T-C. GRCh37 (hg19) VCF-style: chr5-89948360-T-C.
Other names: short protein forms L1205P.
Identifiers: ClinVar variation 2092711 (VCV002092711.4), dbSNP rs771779601, ClinGen allele CA3339210.